The following is an entry in ClinVar:

ClinVar aggregate classification (germline): Uncertain significance (1 of 4 stars; one submission).

Conditions:
Retinitis pigmentosa 13 (RP13). Also called: PRPF 8-Related Retinitis Pigmentosa. Identifiers: Orphanet 791, MedGen C1838702, MONDO:0010806, OMIM 600059.

Submission:

Centre for Mendelian Genomics, University Medical Centre Ljubljana
Classification: Uncertain significance for Retinitis pigmentosa 13. Last evaluated: 2018-11-10. Review status: criteria provided, single submitter. Criteria: ACMG Guidelines, 2015. Collection method: clinical testing. Allele origin: unknown. Affected: yes.
Comment: This variant was classified as: Uncertain significance. The available evidence on this variant's pathogenicity is insufficient or conflicting. The following ACMG criteria were applied in classifying this variant: PM2.

NM_006445.4(PRPF8):c.1208C>T (p.Ala403Val)

Gene: PRPF8 (pre-mRNA processing factor 8; minus strand). Cytogenetic location: 17p13.3.
Variant type: single nucleotide variant.
Coding change: c.1208C>T on transcript NM_006445.4 (MANE Select); coding-DNA position 1208, C replaced by T.
Protein change: p.Ala403Val; replaces alanine 403 with valine.
Molecular consequence: missense variant.
Genome position (GRCh38, 1-based): chr17:1,679,690, G>A on the plus strand (C>T on the coding strand, the complement: PRPF8 is on the minus strand). VCF-style: chr17-1679690-G-A. GRCh37 (hg19) VCF-style: chr17-1582984-G-A.
Other names: short protein forms A403V.
Identifiers: ClinVar variation 931934 (VCV000931934.3), dbSNP rs1912802818, ClinGen allele CA397563301.